The following is an entry in ClinVar:

ClinVar aggregate classification (germline): Uncertain significance (1 of 4 stars; one submission).

Submission:

Mayo Clinic Laboratories, Mayo Clinic
Classification: Uncertain significance. Last evaluated: 2024-11-20. Review status: criteria provided, single submitter. Criteria: ACMG Guidelines, 2015. Collection method: clinical testing. Allele origin: germline. Observed: 1 variant allele.
Comment: PP3, PM2_supporting

NM_002972.4(SBF1):c.4411A>G (p.Thr1471Ala)

Gene: SBF1 (SET binding factor 1; minus strand). Cytogenetic location: 22q13.33.
Variant type: single nucleotide variant.
Coding change: c.4411A>G on transcript NM_002972.4 (MANE Select); coding-DNA position 4411, A replaced by G.
Protein change: p.Thr1471Ala; replaces threonine 1471 with alanine.
Molecular consequence: missense variant.
Genome position (GRCh38, 1-based): chr22:50,455,367, T>C on the plus strand (A>G on the coding strand, the complement: SBF1 is on the minus strand). VCF-style: chr22-50455367-T-C. GRCh37 (hg19) VCF-style: chr22-50893796-T-C.
Other names: p.Thr1471Ala; c.4336A>G, p.Thr1446Ala (NM_001365819.1); c.4414A>G, p.Thr1472Ala (NM_001410794.1); c.4333A>G, p.Thr1445Ala (NM_001410795.1); short protein forms T1446A, T1472A, T1471A, T1445A.
Identifiers: ClinVar variation 4542466 (VCV004542466.1).
Genomic context (GRCh38, chr22:50,455,367, plus strand): 5'-TGAAGCGATGGCCGAAGGACAGCCACTCCTTCTCCACCAGCAGGCGAAAGCCCTCCAGCG[T>C]GCGGTAGAAGGGGTCTGAGAGCAGCTGCACCAAGGATACCACCTGCCAGCACCGCCAGGA-3'
Protein context (NP_002963.2, residues 1461-1481): VQLLSDPFYR[Thr1471Ala]LEGFRLLVEK